The following is an entry in ClinVar:

NM_182641.4(BPTF):c.229CCG[4] (p.Pro81_Pro82del)

Gene: BPTF (bromodomain PHD finger transcription factor; plus strand). Cytogenetic location: 17q24.2.
Variant type: Microsatellite.
Coding change: c.229CCG[4] on transcript NM_182641.4 (MANE Select); four copies in a row of the 3-base unit CCG starting at c.229; the reference has six copies in a row; two copies, 6 bases deleted.
Protein change: p.Pro81_Pro82del.
Molecular consequence: inframe deletion.
Genome position (GRCh38, 1-based): chr17:67,825,965-67,825,970, CCGCCG deleted; deleting any 6 consecutive bases within chr17:67,825,952-67,825,970 gives the same sequence; the position shown is the placement nearest the transcript's 3' end. VCF-style (leftmost placement, unchanged base first): chr17-67825951-AGCCGCC-A. GRCh37 (hg19) VCF-style: chr17-65822067-AGCCGCC-A.
Other names: c.229CCG[4], p.Pro81_Pro82del (NM_004459.7).
Identifiers: ClinVar variation 1971200 (VCV001971200.17), dbSNP rs955533308, ClinGen allele CA293236476.
Genomic context (GRCh38, chr17:67,825,951, plus strand): 5'-CTGAGGTGGCGCCCAAGACGCGGCTGAGCTCGCCCAGGGGGGGCAGCAGTAGCCGGAGGA[AGCCGCC>A]GCCGCCGCCGCCGGCCCCCCCCAGCACCAGCGCCCCGGGCCGGGGGGGGCGAGGAGGCGG-3'

ClinVar aggregate classification (germline): Conflicting classifications of pathogenicity. Review status: criteria provided, conflicting classifications (1 of 4 stars). 2 submissions from 2 submitters: Uncertain significance (1); Likely benign (1). Last evaluated 2026-02-01.

Submissions (2):

CeGaT Center for Human Genetics Tuebingen
Classification: Likely benign. Last evaluated: 2026-02-01. Review status: criteria provided, single submitter. Criteria: CeGaT Center For Human Genetics Tuebingen Variant Classification Criteria Version 2. Collection method: clinical testing. Allele origin: germline. Affected: yes. Observed: 2 variant alleles.
Comment: BPTF: BP3

Labcorp Genetics (formerly Invitae), Labcorp
Classification: Uncertain significance. Last evaluated: 2024-05-15. Review status: criteria provided, single submitter. Criteria: Invitae Variant Classification Sherloc (09022015). Collection method: clinical testing. Allele origin: germline.
Comment: This variant, c.241_246del, results in the deletion of 2 amino acid(s) of the BPTF protein (p.Pro81_Pro82del), but otherwise preserves the integrity of the reading frame. This variant is present in population databases (no rsID available, gnomAD 0.02%). This variant has not been reported in the literature in individuals affected with BPTF-related conditions. Experimental studies and prediction algorithms are not available or were not evaluated, and the functional significance of this variant is currently unknown. In summary, the available evidence is currently insufficient to determine the role of this variant in disease. Therefore, it has been classified as a Variant of Uncertain Significance.